The following is an entry in ClinVar:

NM_177531.6(PKHD1L1):c.5494C>T (p.Pro1832Ser)

Gene: PKHD1L1 (PKHD1 like 1; plus strand). Cytogenetic location: 8q23.1.
Variant type: single nucleotide variant.
Coding change: c.5494C>T on transcript NM_177531.6 (MANE Select); coding-DNA position 5494, C replaced by T.
Protein change: p.Pro1832Ser; replaces proline 1832 with serine.
Molecular consequence: missense variant.
Genome position (GRCh38, 1-based): chr8:109,445,363, C>T. VCF-style: chr8-109445363-C-T. GRCh37 (hg19) VCF-style: chr8-110457592-C-T.
Other names: short protein forms P1832S.
Identifiers: ClinVar variation 3350427 (VCV003350427.2).
Genomic context (GRCh38, chr8:109,445,363, plus strand): 5'-GTTAGTGTTGTGGTGGGAAGTAAAGGCTTGGCTCTGGGAAACCTGACTGTCAGCAGCCCC[C>T]CAGTAGCATCTCTATCACCAACTTCTGGAAGCATTGGTGGTGGAACTACACTGGTGATCA-3'
Protein context (NP_803875.2, residues 1822-1842): ALGNLTVSSP[Pro1832Ser]VASLSPTSGS

ClinVar aggregate classification (germline): Uncertain significance. Review status: criteria provided, single submitter (1 of 4 stars). 2 submissions from 2 submitters: Uncertain significance (1). 1 of the submissions does not count toward it. Last evaluated 2025-09-11.

Conditions:
PKHD1L1-related disorder. Also called: PKHD1L1-related condition.

gnomAD v4.1: 5,038 of 1,613,936 alleles (0.31%); highest among the groups gnomAD compares: Admixed American, 0.54%; 15 homozygotes.

Submissions (2):

Ambry Genetics
Classification: Uncertain significance. Last evaluated: 2025-09-11. Review status: criteria provided, single submitter. Criteria: Ambry Variant Classification Scheme 2023. Collection method: clinical testing. Allele origin: germline.

PreventionGenetics, part of Exact Sciences
Classification: Likely benign for PKHD1L1-related condition. Last evaluated: 2024-06-04. Review status: no assertion criteria provided. Collection method: clinical testing. Allele origin: germline. Not counted in ClinVar's aggregate classification.
Comment: This variant is classified as likely benign based on ACMG/AMP sequence variant interpretation guidelines (Richards et al. 2015 PMID: 25741868, with internal and published modifications).